The following is an entry in ClinVar:

ClinVar aggregate classification (germline): Benign. Review status: criteria provided, multiple submitters, no conflicts (2 of 4 stars). 2 submissions from 2 submitters: Benign (2). Last evaluated 2018-01-12.

Conditions:
Hereditary sensory and autonomic neuropathy with spastic paraplegia (HSNSP). Identifiers: Orphanet 139578, MedGen C1850395, MONDO:0009748, OMIM 256840.

Allele frequency attached by ClinVar (database versions not stated): 1000 Genomes Project 30x 0.01765; 1000 Genomes Project 0.01797; TOPMed 0.02995.
gnomAD v4.1: 4,647 of 170,708 alleles (2.7%); highest among the groups gnomAD compares: Middle Eastern, 5.5%; 77 homozygotes.

Submissions (2):

Illumina Laboratory Services, Illumina
Classification: Benign for Hereditary sensory and autonomic neuropathy with spastic paraplegia. Last evaluated: 2018-01-12. Review status: criteria provided, single submitter. Criteria: ICSL Variant Classification Criteria 13 December 2019. Collection method: clinical testing. Allele origin: germline.
Comment: This variant was observed in the ICSL laboratory as part of a predisposition screen in an ostensibly healthy population. It had not been previously curated by ICSL or reported in the Human Gene Mutation Database (HGMD: prior to June 1st, 2018), and was therefore a candidate for classification through an automated scoring system. Utilizing variant allele frequency, disease prevalence and penetrance estimates, and inheritance mode, an automated score was calculated to assess if this variant is too frequent to cause the disease. Based on the score and internal cut-off values, a variant classified as benign is not then subjected to further curation. The score for this variant resulted in a classification of benign for this disease.

Breakthrough Genomics
Classification: Benign. Review status: criteria provided, single submitter. Criteria: ACMG Guidelines, 2015. Collection method: not provided. Allele origin: germline. Inheritance: Autosomal recessive inheritance. Affected: yes.

NM_012073.5(CCT5):c.*513G>C

Gene: CCT5 (chaperonin containing TCP1 subunit 5; plus strand). Cytogenetic location: 5p15.2.
Variant type: single nucleotide variant.
Coding change: c.*513G>C on transcript NM_012073.5 (MANE Select); 513 bases downstream of the stop codon, G replaced by C.
Molecular consequence: 3 prime UTR variant.
Genome position (GRCh38, 1-based): chr5:10,265,296, G>C. VCF-style: chr5-10265296-G-C. GRCh37 (hg19) VCF-style: chr5-10265408-G-C.
Other names: c.*513G>C (NM_001306153.1, NM_001306154.2, NM_001306155.2 and 1 more transcripts).
Identifiers: ClinVar variation 350274 (VCV000350274.6), dbSNP rs72738997, ClinGen allele CA10619766.